The following is an entry in ClinVar:

NM_002350.4(LYN):c.155C>G (p.Pro52Arg)

Gene: LYN (LYN proto-oncogene, Src family tyrosine kinase; plus strand). Cytogenetic location: 8q12.1.
Variant type: single nucleotide variant.
Coding change: c.155C>G on transcript NM_002350.4 (MANE Select); coding-DNA position 155, C replaced by G.
Protein change: p.Pro52Arg; replaces proline 52 with arginine.
Molecular consequence: missense variant.
Genome position (GRCh38, 1-based): chr8:55,946,470, C>G. VCF-style: chr8-55946470-C-G. GRCh37 (hg19) VCF-style: chr8-56859029-C-G.
Other names: c.92C>G, p.Pro31Arg (NM_001111097.3); short protein forms P31R, P52R.
Identifiers: ClinVar variation 4729307 (VCV004729307.1).

ClinVar aggregate classification (germline): Uncertain significance (1 of 4 stars; one submission).

gnomAD v4.1: 1 of 1,610,980 alleles (0.000062%); highest among the groups gnomAD compares: Non-Finnish European, 0.000085%; no homozygotes.

Submission:

Labcorp Genetics (formerly Invitae), Labcorp
Classification: Uncertain significance. Last evaluated: 2025-10-15. Review status: criteria provided, single submitter. Criteria: Invitae Variant Classification Sherloc (09022015). Collection method: clinical testing. Allele origin: germline.
Comment: This sequence change replaces proline, which is neutral and non-polar, with arginine, which is basic and polar, at codon 52 of the LYN protein (p.Pro52Arg). This variant is not present in population databases (gnomAD no frequency). This variant has not been reported in the literature in individuals affected with LYN-related conditions. An algorithm developed to predict the effect of missense changes on protein structure and function (PolyPhen-2) suggests that this variant is likely to be disruptive. In summary, the available evidence is currently insufficient to determine the role of this variant in disease. Therefore, it has been classified as a Variant of Uncertain Significance.